The following is an entry in ClinVar:

NM_206933.4(USH2A):c.13342_13347del (p.Asp4448_Ser4449del)

Gene: USH2A (usherin; minus strand). Cytogenetic location: 1q41.
Variant type: Deletion.
Coding change: c.13342_13347del on transcript NM_206933.4 (MANE Select); coding-DNA positions 13342 to 13347, 6 bases deleted (GACTCT; older notation c.13342_13347delGACTCT).
Protein change: p.Asp4448_Ser4449del.
Molecular consequence: inframe deletion.
Genome position (GRCh38, 1-based): chr1:215,674,564-215,674,569, AGAGTC deleted on the plus strand (GACTCT on the coding strand, the reverse complement: USH2A is on the minus strand). VCF-style (leftmost placement, unchanged base first): chr1-215674563-GAGAGTC-G. GRCh37 (hg19) VCF-style: chr1-215847905-GAGAGTC-G.
Other names: c.13342_13347del (NM_206933.2).
Identifiers: ClinVar variation 930726 (VCV000930726.9), dbSNP rs771903291, ClinGen allele CA1393306.
Genomic context (GRCh38, chr1:215,674,563, plus strand): 5'-GGTTTCTTGGAGGTTTCCAGGTGATTTCTATTGATTCTGAGCCTGTGACTTGCAATGTTG[GAGAGTC>G]CATGTTCTCTGGCAGGGCCTCCATTGTCCAGGCAGATTTTGACACACTAGCTGTGCAACC-3'

ClinVar aggregate classification (germline): Pathogenic/Likely pathogenic. Review status: criteria provided, multiple submitters, no conflicts (2 of 4 stars). 7 submissions from 6 submitters: Pathogenic (2); Likely pathogenic (5). Last evaluated 2023-12-22.

Conditions:
USH2A-related disorder. Also called: USH2A-related disorders; USH2A-related condition. Identifiers: MedGen CN239332.
Retinitis pigmentosa 39 (RP39). Identifiers: Orphanet 791, MedGen C3151138, MONDO:0013436, OMIM 613809.
Usher syndrome type 2A. Also called: RETINAL DISEASE IN USHER SYNDROME TYPE IIA, MODIFIER OF; USHER SYNDROME, TYPE IIA. Identifiers: Orphanet 231178, Orphanet 886, MedGen C1848634, MONDO:0010169, OMIM 276901.

Allele frequency attached by ClinVar (database versions not stated): ExAC 0.00002; gnomAD 0.00004; gnomAD exomes 0.00004.

Submissions (7):

Blueprint Genetics
Classification: Pathogenic for USH2A-related disorders. Last evaluated: 2023-12-22. Review status: criteria provided, single submitter. Criteria: ACMG Guidelines, 2015. Collection method: clinical testing. Allele origin: germline. Affected: yes. Observed: 5 variant alleles.

Genome-Nilou Lab
Classification: Likely pathogenic for Retinitis pigmentosa 39. Last evaluated: 2023-11-04. Review status: criteria provided, single submitter. Criteria: ACMG Guidelines, 2015. Collection method: clinical testing. Allele origin: germline. Affected: no.

Genome-Nilou Lab
Classification: Likely pathogenic for Usher syndrome type 2A. Last evaluated: 2023-11-04. Review status: criteria provided, single submitter. Criteria: ACMG Guidelines, 2015. Collection method: clinical testing. Allele origin: germline. Affected: no.

Institute of Human Genetics, University of Leipzig Medical Center
Classification: Likely pathogenic for Usher syndrome type 2A. Last evaluated: 2022-09-06. Review status: criteria provided, single submitter. Criteria: ACMG Guidelines, 2015. Collection method: clinical testing. Allele origin: unknown. Affected: yes.
Comment: _x000D_This variant was identified as compound heterozygous with NM_206933.4:c.993_994del. Criteria applied: PM3_STR, PM4, PM2_SUP

Ocular Genomics Institute, Massachusetts Eye and Ear
Classification: Likely pathogenic for Retinitis pigmentosa 39. Last evaluated: 2021-04-08. Review status: criteria provided, single submitter. Criteria: ACMG Guidelines, 2015. Collection method: research. Allele origin: germline. Affected: yes.
Comment: Through a review of available evidence we were able to apply the following criteria: PM2, PP3, PM3-S, PM4. Based on this evidence we have classified this variant as Likely Pathogenic.

Institute of Medical Genetics and Applied Genomics, University Hospital Tübingen
Classification: Likely pathogenic. Last evaluated: 2020-10-23. Review status: criteria provided, single submitter. Criteria: ACMG Guidelines, 2015. Collection method: clinical testing. Allele origin: germline. Inheritance: Autosomal recessive inheritance. Affected: yes.

Centre for Mendelian Genomics, University Medical Centre Ljubljana
Classification: Pathogenic for Usher syndrome type 2A. Last evaluated: 2020-01-19. Review status: criteria provided, single submitter. Criteria: ACMG Guidelines, 2015. Collection method: clinical testing. Allele origin: unknown. Affected: yes.
Comment: This variant was classified as: Pathogenic. The following ACMG criteria were applied in classifying this variant: PVS1,PM2,PP3. This variant was detected in homozygous state.

Literature cited by the submitters: PubMed 20507924 (cited by Ocular Genomics Institute, Massachusetts Eye and Ear); PubMed 28838317 (cited by Ocular Genomics Institute, Massachusetts Eye and Ear); PubMed 31266775 (cited by Ocular Genomics Institute, Massachusetts Eye and Ear).